The following is an entry in ClinVar:

NM_177924.5(ASAH1):c.287TGG[1] (p.Val97del)

Gene: ASAH1 (N-acylsphingosine amidohydrolase 1; minus strand). Cytogenetic location: 8p22.
Variant type: Microsatellite.
Coding change: c.287TGG[1] on transcript NM_177924.5 (MANE Select); one copy of the 3-base unit TGG starting at c.287; the reference has two copies in a row; one copy, 3 bases deleted.
Protein change: p.Val97del; deletes valine 97.
Molecular consequence: inframe deletion. On other transcripts: intron variant (1).
Genome position (GRCh38, 1-based): chr8:18,069,803-18,069,805, CCA deleted on the plus strand (TGG on the coding strand, the reverse complement: ASAH1 is on the minus strand); deleting any 3 consecutive bases within chr8:18,069,803-18,069,810 gives the same sequence; the position shown is the placement nearest the transcript's 3' end. VCF-style (leftmost placement, unchanged base first): chr8-18069802-TCCA-T. GRCh37 (hg19) VCF-style: chr8-17927311-TCCA-T.
Other names: c.290_292delTGG (NM_177924.5); c.92TGG[1], p.Val32del (NM_001363743.2); c.335TGG[1], p.Val113del (NM_004315.6); c.285+1495_285+1497del (NM_001127505.3); short protein forms V113del, V32del, V97del.
Identifiers: ClinVar variation 812499 (VCV000812499.1), dbSNP rs1588989947, ClinGen allele CA915945616.
Genomic context (GRCh38, chr8:18,069,802, plus strand): 5'-GCGCATTTTCTATGTGCTTAACATTTATTGTGAGAAATAATATCTCTTACCAATTTTTCA[TCCA>T]CCACCTGCATAATTTTTCCACTTGGCACGAATGTATTTATCATATTCTTCAGAGAATTCA-3'

ClinVar aggregate classification (germline): Pathogenic (1 of 4 stars; one submission).

Conditions:
Farber lipogranulomatosis (FRBRL). Also called: AC DEFICIENCY; ACID CERAMIDASE DEFICIENCY; CERAMIDASE DEFICIENCY; N-LAURYLSPHINGOSINE DEACYLASE DEFICIENCY; Farber's lipogranulomatosis; Farber's disease. Identifiers: Orphanet 333, MedGen C0268255, MONDO:0009218, OMIM 228000.

Submission:

Medical Affairs, Dicerna Pharmaceuticals
Classification: Pathogenic for Farber lipogranulomatosis. Last evaluated: 2019-06-19. Review status: criteria provided, single submitter. Criteria: ACMG Guidelines, 2015. Collection method: literature only. Allele origin: unknown, inherited. Inheritance: Autosomal recessive inheritance. Affected: yes. Observed: 1 variant allele.
Comment: Variant c.290_292delTGG is pathogenic based on the following rationale. The patient described Muramatsu et al., 2002, DOI: 10.1023/A:1022047408477 was diagnosed with an intermediate form of Farber disease consistent with Type 2-3 Farber disease discussed in Gene Reviews. Homozygous c.290_292delTGG variants were identified in the ASAH1 gene. To characterize the effect of the mutation V96del on acid ceramidase (AC) activity, modified human AC cDNA was transiently expressed in COS-1 cells; the mutant AC activities were decreased to 37% of the wild-type value explaining the intermediate Farber disease phenotype and the variant's likely pathogenicity.

Literature cited by the submitters: DOI 10.1023/A.